The following is an entry in ClinVar:

NM_007186.6(CEP250):c.599+2T>C

Gene: CEP250 (centrosomal protein 250; plus strand). Cytogenetic location: 20q11.22.
Variant type: single nucleotide variant.
Coding change: c.599+2T>C on transcript NM_007186.6 (MANE Select); the canonical splice donor site of the intron after coding-DNA position 599, T replaced by C.
Molecular consequence: splice donor variant.
Genome position (GRCh38, 1-based): chr20:35,467,074, T>C. VCF-style: chr20-35467074-T-C. GRCh37 (hg19) VCF-style: chr20-34054899-T-C.
Other names: c.-1301+2T>C (NM_001318219.1).
Identifiers: ClinVar variation 2778148 (VCV002778148.3), dbSNP rs1289195190, ClinGen allele CA408755245.

ClinVar aggregate classification (germline): Likely pathogenic (1 of 4 stars; one submission).

Allele frequency attached by ClinVar (database versions not stated): TOPMed below 0.00001; gnomAD 0.00001.
gnomAD v4.1: 6 of 1,604,510 alleles (0.00037%); highest among the groups gnomAD compares: Non-Finnish European, 0.00051%; no homozygotes.

Submission:

Labcorp Genetics (formerly Invitae), Labcorp
Classification: Likely pathogenic. Last evaluated: 2023-05-21. Review status: criteria provided, single submitter. Criteria: Invitae Variant Classification Sherloc (09022015). Collection method: clinical testing. Allele origin: germline.
Comment: This variant has not been reported in the literature in individuals affected with CEP250-related conditions. In summary, the currently available evidence indicates that the variant is pathogenic, but additional data are needed to prove that conclusively. Therefore, this variant has been classified as Likely Pathogenic. Algorithms developed to predict the effect of sequence changes on RNA splicing suggest that this variant may disrupt the consensus splice site. This variant is not present in population databases (gnomAD no frequency). This sequence change affects a donor splice site in intron 8 of the CEP250 gene. It is expected to disrupt RNA splicing. Variants that disrupt the donor or acceptor splice site typically lead to a loss of protein function (PMID: 16199547), and loss-of-function variants in CEP250 are known to be pathogenic (PMID: 24780881, 29718797).

Literature cited by the submitters: PubMed 16199547; PubMed 24780881; PubMed 29718797.